The following is an entry in ClinVar:

ClinVar aggregate classification (germline): Likely benign (1 of 4 stars; one submission).

Allele frequency attached by ClinVar (database versions not stated): TOPMed below 0.00001; gnomAD 0.00001.
gnomAD v4.1: 2 of 1,607,684 alleles (0.00012%); highest among the groups gnomAD compares: Non-Finnish European, 0.00017%; no homozygotes.

Submission:

CeGaT Center for Human Genetics Tuebingen
Classification: Likely benign. Last evaluated: 2022-03-01. Review status: criteria provided, single submitter. Criteria: CeGaT Center For Human Genetics Tuebingen Variant Classification Criteria Version 2. Collection method: clinical testing. Allele origin: germline. Affected: yes. Observed: 1 variant allele.
Comment: KMT2B: BP4, BP7

NM_014727.3(KMT2B):c.2562G>A (p.Glu854=)

Gene: KMT2B (lysine methyltransferase 2B; plus strand). Cytogenetic location: 19q13.12.
Variant type: single nucleotide variant.
Coding change: c.2562G>A on transcript NM_014727.3 (MANE Select); coding-DNA position 2562, G replaced by A.
Protein change: p.Glu854=; no amino-acid change (glutamic acid 854 retained).
Molecular consequence: synonymous variant.
Genome position (GRCh38, 1-based): chr19:35,722,463, G>A. VCF-style: chr19-35722463-G-A. GRCh37 (hg19) VCF-style: chr19-36213365-G-A.
Identifiers: ClinVar variation 2649735 (VCV002649735.24), dbSNP rs1221227064, ClinGen allele CA507068352.